The following is an entry in ClinVar:

NM_003628.6(PKP4):c.728G>A (p.Ser243Asn)

Gene: PKP4 (plakophilin 4; plus strand). Cytogenetic location: 2q24.1.
Variant type: single nucleotide variant.
Coding change: c.728G>A on transcript NM_003628.6 (MANE Select); coding-DNA position 728, G replaced by A.
Protein change: p.Ser243Asn; replaces serine 243 with asparagine.
Molecular consequence: missense variant. On other transcripts: 5 prime UTR variant (1).
Genome position (GRCh38, 1-based): chr2:158,625,002, G>A. VCF-style: chr2-158625002-G-A. GRCh37 (hg19) VCF-style: chr2-159481514-G-A.
Other names: c.728G>A, p.Ser243Asn (NM_001005476.4, NM_001304969.3, NM_001304971.2 and 6 more transcripts); c.-299G>A (NM_001304970.3); c.722G>A, p.Ser241Asn (NM_001377222.1, NM_001377223.1, NM_001377224.1); short protein forms S243N, S241N.
Identifiers: ClinVar variation 4844314 (VCV004844314.1).

ClinVar aggregate classification (germline): Uncertain significance (1 of 4 stars; one submission).

gnomAD v4.1: 1 of 1,614,166 alleles (0.000062%); highest among the groups gnomAD compares: African/African-American, 0.0013%; no homozygotes.

Submission:

Ambry Genetics
Classification: Uncertain significance. Last evaluated: 2026-01-17. Review status: criteria provided, single submitter. Criteria: Ambry Variant Classification Scheme 2023. Collection method: clinical testing. Allele origin: germline.
Comment: The p.S243N variant (also known as c.728G>A), located in coding exon 6 of the PKP4 gene, results from a G to A substitution at nucleotide position 728. The serine at codon 243 is replaced by asparagine, an amino acid with highly similar properties. This amino acid position is conserved. In addition, this alteration is predicted to be tolerated by in silico analysis. Based on the available evidence, the clinical significance of this variant remains unclear.